The following is an entry in ClinVar:

ClinVar aggregate classification (germline): Uncertain significance (1 of 4 stars; one submission).

Submission:

GeneDx
Classification: Uncertain significance. Last evaluated: 2025-07-19. Review status: criteria provided, single submitter. Criteria: GeneDx Variant Classification Process June 2021. Collection method: clinical testing. Allele origin: germline. Affected: yes.
Comment: Not observed at significant frequency in large population cohorts (gnomAD); Frameshift variant predicted to result in protein truncation or nonsense mediated decay in a gene or region of a gene for which loss of function is not a well-established mechanism of disease; Has not been previously published as pathogenic or benign to our knowledge

NM_199334.5(THRA):c.86_89del (p.Lys29fs)

Gene: THRA (thyroid hormone receptor alpha; plus strand). Cytogenetic location: 17q21.1.
Variant type: Microsatellite.
Coding change: c.86_89del on transcript NM_199334.5 (MANE Select); coding-DNA positions 86 to 89, 4 bases deleted (AGAA; older notation c.86_89delAGAA).
Protein change: p.Lys29fs; shifts the reading frame from lysine 29.
Molecular consequence: frameshift variant.
Genome position (GRCh38, 1-based): chr17:40,076,903-40,076,906, AGAA deleted; deleting any 4 consecutive bases within chr17:40,076,897-40,076,906 gives the same sequence; the c. name uses the placement nearest the transcript's 3' end. VCF-style (leftmost placement, unchanged base first): chr17-40076896-AAAAG-A. GRCh37 (hg19) VCF-style: chr17-38233149-AAAAG-A.
Other names: c.86_89del, p.Lys29fs (NM_001190918.2, NM_001190919.2, NM_003250.6); short protein forms K29fs.
Identifiers: ClinVar variation 4686445 (VCV004686445.1).